The following is an entry in ClinVar:

ClinVar aggregate classification (germline): Uncertain significance (1 of 4 stars; one submission).

Allele frequency attached by ClinVar (database versions not stated): gnomAD exomes below 0.00001.
gnomAD v4.1: 1 of 1,608,688 alleles (0.000062%); highest among the groups gnomAD compares: South Asian, 0.0011%; no homozygotes.

Submission:

Greenwood Genetic Center Diagnostic Laboratories, Greenwood Genetic Center
Classification: Uncertain significance. Last evaluated: 2021-01-07. Review status: criteria provided, single submitter. Criteria: ACMG Guidelines, 2015. Collection method: clinical testing. Allele origin: germline. Affected: yes.
Comment: PM2

NM_182641.4(BPTF):c.2812A>G (p.Thr938Ala)

Gene: BPTF (bromodomain PHD finger transcription factor; plus strand). Cytogenetic location: 17q24.2.
Variant type: single nucleotide variant.
Coding change: c.2812A>G on transcript NM_182641.4 (MANE Select); coding-DNA position 2812, A replaced by G.
Protein change: p.Thr938Ala; replaces threonine 938 with alanine.
Molecular consequence: missense variant.
Genome position (GRCh38, 1-based): chr17:67,904,840, A>G. VCF-style: chr17-67904840-A-G. GRCh37 (hg19) VCF-style: chr17-65900956-A-G.
Other names: c.3190A>G, p.Thr1064Ala (NM_004459.7); short protein forms T1064A, T938A.
Identifiers: ClinVar variation 1331633 (VCV001331633.4), dbSNP rs2146676608, ClinGen allele CA400722582.